The following is an entry in ClinVar:

ClinVar aggregate classification (germline): Uncertain significance (1 of 4 stars; one submission).

Submission:

GeneDx
Classification: Uncertain significance. Last evaluated: 2022-01-07. Review status: criteria provided, single submitter. Criteria: GeneDx Variant Classification Process June 2021. Collection method: clinical testing. Allele origin: germline. Affected: yes.
Comment: Not observed at significant frequency in large population cohorts (gnomAD); In silico analysis supports that this missense variant has a deleterious effect on protein structure/function; Has not been previously published as pathogenic or benign to our knowledge

NM_000070.3(CAPN3):c.2150T>C (p.Phe717Ser)

Gene: CAPN3 (calpain 3; plus strand). Cytogenetic location: 15q15.1.
Variant type: single nucleotide variant.
Coding change: c.2150T>C on transcript NM_000070.3 (MANE Select); coding-DNA position 2150, T replaced by C.
Protein change: p.Phe717Ser; replaces phenylalanine 717 with serine.
Molecular consequence: missense variant.
Genome position (GRCh38, 1-based): chr15:42,410,462, T>C. VCF-style: chr15-42410462-T-C. GRCh37 (hg19) VCF-style: chr15-42702660-T-C.
Other names: c.2132T>C, p.Phe711Ser (NM_024344.2); c.1874T>C, p.Phe625Ser (NM_173087.2); c.614T>C, p.Phe205Ser (NM_173088.2); c.155T>C, p.Phe52Ser (NM_173089.2, NM_173090.2); short protein forms F205S, F52S, F625S, F711S, F717S.
Identifiers: ClinVar variation 1695585 (VCV001695585.2), dbSNP rs999378228, ClinGen allele CA392001672.